The following is an entry in ClinVar:

ClinVar aggregate classification (germline): Uncertain significance. Review status: criteria provided, multiple submitters, no conflicts (2 of 4 stars). 2 submissions from 2 submitters: Uncertain significance (2). Last evaluated 2026-04-13.

Conditions:
Arrhythmogenic cardiomyopathy with wooly hair and keratoderma. Also called: PALMOPLANTAR KERATODERMA WITH LEFT VENTRICULAR CARDIOMYOPATHY AND WOOLLY HAIR; Carvajal syndrome; Dilated cardiomyopathy with woolly hair and keratoderma; Arrhythmogenic cardiomyopathy with woolly hair and keratoderma. Identifiers: Orphanet 65282, MedGen C1854063, MONDO:0011581, OMIM 605676.

Submissions (2):

GeneDx
Classification: Uncertain significance. Last evaluated: 2026-04-13. Review status: criteria provided, single submitter. Criteria: GeneDx Variant Classification Process June 2021. Collection method: clinical testing. Allele origin: germline.
Comment: Not observed at significant frequency in large population cohorts (gnomAD); In silico analysis suggests that this missense variant does not alter protein structure/function; Has not been previously published as pathogenic or benign to our knowledge

All of Us Research Program, National Institutes of Health
Classification: Uncertain significance for Arrhythmogenic cardiomyopathy with wooly hair and keratoderma. Last evaluated: 2023-05-04. Review status: criteria provided, single submitter. Criteria: ACMG Guidelines, 2015. Collection method: clinical testing. Allele origin: germline. Inheritance: Autosomal dominant inheritance. Observed: 1 variant allele, 1 heterozygote.
Comment: This missense variant replaces serine with proline at codon 43 of the DSP protein. Computational prediction suggests that this variant may not impact protein structure and function (internally defined REVEL score threshold <= 0.5, PMID: 27666373). To our knowledge, functional studies have not been reported for this variant. This variant has not been reported in individuals affected with DSP-related disorders in the literature. This variant has not been identified in the general population by the Genome Aggregation Database (gnomAD). The available evidence is insufficient to determine the role of this variant in disease conclusively. Therefore, this variant is classified as a Variant of Uncertain Significance.

This study involves interpretation of variants in research participants for the purpose of population health screening. Participant phenotype was not available at the time of variant classification. Additional details can be found in publication PMID: 35346344, PMCID: PMC8962531

NM_004415.4(DSP):c.127T>C (p.Ser43Pro)

Genes: DSP (desmoplakin; plus strand), DSP-AS1 (DSP antisense RNA 1; minus strand). Cytogenetic location: 6p24.3.
Variant type: single nucleotide variant.
Coding change: c.127T>C on transcript NM_004415.4 (MANE Select); coding-DNA position 127, T replaced by C.
Protein change: p.Ser43Pro; replaces serine 43 with proline.
Molecular consequence: missense variant.
Genome position (GRCh38, 1-based): chr6:7,542,042, T>C. VCF-style: chr6-7542042-T-C. GRCh37 (hg19) VCF-style: chr6-7542275-T-C.
Other names: c.127T>C, p.Ser43Pro (NM_001008844.3, NM_001319034.2, NM_001406591.1); short protein forms S43P.
Identifiers: ClinVar variation 3070666 (VCV003070666.2), dbSNP rs2533801373, ClinGen allele CA362675893.